The following is an entry in ClinVar:

NM_003922.4(HERC1):c.3705C>G (p.Ser1235Arg)

Gene: HERC1 (HECT and RLD domain containing E3 ubiquitin protein ligase family member 1; minus strand). Cytogenetic location: 15q22.31.
Variant type: single nucleotide variant.
Coding change: c.3705C>G on transcript NM_003922.4 (MANE Select); coding-DNA position 3705, C replaced by G.
Protein change: p.Ser1235Arg; replaces serine 1235 with arginine.
Molecular consequence: missense variant.
Genome position (GRCh38, 1-based): chr15:63,723,219, G>C on the plus strand (C>G on the coding strand, the complement: HERC1 is on the minus strand). VCF-style: chr15-63723219-G-C. GRCh37 (hg19) VCF-style: chr15-64015418-G-C.
Other names: short protein forms S1235R.
Identifiers: ClinVar variation 3367723 (VCV003367723.1).
Genomic context (GRCh38, chr15:63,723,219, plus strand): 5'-TCCCTTTATCTTCTTTATCTTACCTTTACTAACAGCATAGTCCTGCATGCTGATCCAAAG[G>C]CTTCGGGCAGGCTCTTTAGAACAACCCAATGCCAAGTCTACATAGACAGCAATTTCAGGC-3'
Protein context (NP_003913.3, residues 1225-1245): ALGCSKEPAR[Ser1235Arg]LWISMQDYAV

ClinVar aggregate classification (germline): Uncertain significance (1 of 4 stars; one submission).

Submission:

GeneDx
Classification: Uncertain significance. Last evaluated: 2024-01-08. Review status: criteria provided, single submitter. Criteria: GeneDx Variant Classification Process June 2021. Collection method: clinical testing. Allele origin: germline. Affected: yes.
Comment: Not observed at significant frequency in large population cohorts (gnomAD); In silico analysis supports that this missense variant does not alter protein structure/function; Has not been previously published as pathogenic or benign to our knowledge